The following is an entry in ClinVar:

ClinVar aggregate classification (germline): Uncertain significance. Review status: criteria provided, multiple submitters, no conflicts (2 of 4 stars). 2 submissions from 2 submitters: Uncertain significance (2). Last evaluated 2025-01-24.

Conditions:
Intellectual disability, autosomal dominant 24 (VSVS). Also called: VULTO-VAN SILFHOUT-DE VRIES SYNDROME. Identifiers: MedGen C4014414, MONDO:0014357, OMIM 615828.

Submissions (2):

Labcorp Genetics (formerly Invitae), Labcorp
Classification: Uncertain significance. Last evaluated: 2025-01-24. Review status: criteria provided, single submitter. Criteria: Invitae Variant Classification Sherloc (09022015). Collection method: clinical testing. Allele origin: germline.
Comment: This sequence change replaces valine, which is neutral and non-polar, with isoleucine, which is neutral and non-polar, at codon 128 of the DEAF1 protein (p.Val128Ile). This variant is not present in population databases (gnomAD no frequency). This variant has not been reported in the literature in individuals affected with DEAF1-related conditions. ClinVar contains an entry for this variant (Variation ID: 2431455). Invitae Evidence Modeling of protein sequence and biophysical properties (such as structural, functional, and spatial information, amino acid conservation, physicochemical variation, residue mobility, and thermodynamic stability) has been performed for this missense variant. However, the output from this modeling did not meet the statistical confidence thresholds required to predict the impact of this variant on DEAF1 protein function. In summary, the available evidence is currently insufficient to determine the role of this variant in disease. Therefore, it has been classified as a Variant of Uncertain Significance.

Laboratorio de Genetica e Diagnostico Molecular, Hospital Israelita Albert Einstein
Classification: Uncertain significance for Intellectual disability, autosomal dominant 24. Last evaluated: 2022-10-20. Review status: criteria provided, single submitter. Criteria: ACMG Guidelines, 2015. Collection method: clinical testing. Allele origin: germline. Affected: yes. Observed: 1 variant allele.
Comment: ACMG classification criteria: PM2 moderated, BP4 supporting

NM_021008.4(DEAF1):c.382G>A (p.Val128Ile)

Gene: DEAF1 (DEAF1 transcription factor; minus strand). Cytogenetic location: 11p15.5.
Variant type: single nucleotide variant.
Coding change: c.382G>A on transcript NM_021008.4 (MANE Select); coding-DNA position 382, G replaced by A.
Protein change: p.Val128Ile; replaces valine 128 with isoleucine.
Molecular consequence: missense variant. On other transcripts: 5 prime UTR variant (1).
Genome position (GRCh38, 1-based): chr11:691,506, C>T on the plus strand (G>A on the coding strand, the complement: DEAF1 is on the minus strand). VCF-style: chr11-691506-C-T. GRCh37 (hg19) VCF-style: chr11-691506-C-T.
Other names: c.382G>A, p.Val128Ile (NM_001293634.2); c.-345G>A (NM_001367390.1); short protein forms V128I.
Identifiers: ClinVar variation 2431455 (VCV002431455.3), dbSNP rs2494477464, ClinGen allele CA378937433.
Genomic context (GRCh38, chr11:691,506, plus strand): 5'-GAGGCCCCCAGCGTGGCACCACCCGCCCTGGGCTGTGCCCCTCGGAGCAGCTTACCAGAA[C>T]ATGTCCTGAGATGGATGCCGCGTTCGCCACAGACGTGGTGAAGACATTGTCTGCAGCAGC-3'
Protein context (NP_066288.2, residues 118-138): VANAASISGH[Val128Ile]LSGRTALQIG